The following is an entry in ClinVar:

ClinVar aggregate classification (germline): Likely benign (0 of 4 stars; one submission).

Conditions:
PAX6-related disorder. Also called: PAX6-related disorders; PAX6-related condition.

Allele frequency attached by ClinVar (database versions not stated): gnomAD 0.00003; TOPMed 0.00003; gnomAD exomes 0.00005; ExAC 0.00028.
gnomAD v4.1: 38 of 757,940 alleles (0.005%); highest among the groups gnomAD compares: South Asian, 0.007%; 1 homozygote.

Submission:

PreventionGenetics, part of Exact Sciences
Classification: Likely benign for PAX6-related condition. Last evaluated: 2019-07-02. Review status: no assertion criteria provided. Collection method: clinical testing. Allele origin: germline.
Comment: This variant is classified as likely benign based on ACMG/AMP sequence variant interpretation guidelines (Richards et al. 2015 PMID: 25741868, with internal and published modifications).

NM_001368894.2(PAX6):c.1074+138T>C

Gene: PAX6 (paired box 6; minus strand). Cytogenetic location: 11p13.
Variant type: single nucleotide variant.
Coding change: c.1074+138T>C on transcript NM_001368894.2 (MANE Select); 138 bases into the intron after coding-DNA position 1074, T replaced by C.
Molecular consequence: intron variant. On other transcripts: synonymous variant (1).
Genome position (GRCh38, 1-based): chr11:31,793,300, A>G on the plus strand (T>C on the coding strand, the complement: PAX6 is on the minus strand). VCF-style: chr11-31793300-A-G. GRCh37 (hg19) VCF-style: chr11-31814848-A-G.
Other names: c.1170T>C, p.Ser390= (NM_001310159.1); c.1032+138T>C (NM_001127612.3, NM_001368890.2, NM_001368888.2 and 9 more transcripts); c.873+138T>C (NM_001368921.2, NM_001368923.2, NM_001368926.2 and 4 more transcripts); c.1074+138T>C (NM_001258462.3, NM_001310158.2, NM_001258463.2 and 6 more transcripts); c.1149+138T>C (NM_001368919.2, NM_001368918.2); c.1275+138T>C (NM_001368910.2); c.624+138T>C (NM_001368909.2, NM_001368904.2, NM_001368905.2 and 11 more transcripts); c.1077+138T>C (NM_001368911.2); and 3 more.
Identifiers: ClinVar variation 3043514 (VCV003043514.2), dbSNP rs765420612, ClinGen allele CA5933718.
Genomic context (GRCh38, chr11:31,793,300, plus strand): 5'-TTTTTTAGGGCATGAATTAATGAGTCAATCACTTAAAAGTGATGGGATTGACTGTCTCCG[A>G]CTTGACTGGTCAAGCCAATCACTGTAGTGCGAAAAGCTCTCAAGGGTGCAGACACAGCCA-3'